The following is an entry in ClinVar:

ClinVar aggregate classification (germline): Conflicting classifications of pathogenicity. Review status: criteria provided, conflicting classifications (1 of 4 stars). 5 submissions from 5 submitters: Uncertain significance (4); Likely benign (1). Last evaluated 2026-01-31.

Conditions:
Cardiovascular phenotype. Identifiers: MedGen CN230736.
Dilated cardiomyopathy 1DD (CMD1DD). Identifiers: Orphanet 154, MedGen C2750995, MONDO:0013168, OMIM 613172.

Allele frequency attached by ClinVar (database versions not stated): gnomAD exomes 0.00001 and 0.00005; ExAC 0.00005; TOPMed 0.00024; gnomAD 0.00027 and 0.00029; ESP Exome Variant Server 0.00066.
gnomAD v4.1: 59 of 1,551,488 alleles (0.0038%); highest among the groups gnomAD compares: African/African-American, 0.078%; no homozygotes.

Submissions (5):

Labcorp Genetics (formerly Invitae), Labcorp
Classification: Likely benign for Dilated cardiomyopathy 1DD. Last evaluated: 2026-01-31. Review status: criteria provided, single submitter. Criteria: Invitae Variant Classification Sherloc (09022015). Collection method: clinical testing. Allele origin: germline.

GeneDx
Classification: Uncertain significance. Last evaluated: 2025-01-31. Review status: criteria provided, single submitter. Criteria: GeneDx Variant Classification Process June 2021. Collection method: clinical testing. Allele origin: germline. Affected: yes.
Comment: In silico analysis indicates that this missense variant does not alter protein structure/function; Has not been previously published as pathogenic or benign to our knowledge

Ambry Genetics
Classification: Uncertain significance for Cardiovascular phenotype. Last evaluated: 2024-11-27. Review status: criteria provided, single submitter. Criteria: Ambry Variant Classification Scheme 2023. Collection method: clinical testing. Allele origin: germline.
Comment: The p.Q189H variant (also known as c.567G>T), located in coding exon 2 of the RBM20 gene, results from a G to T substitution at nucleotide position 567. The glutamine at codon 189 is replaced by histidine, an amino acid with highly similar properties. This amino acid position is highly conserved in available vertebrate species. In addition, the in silico prediction for this alteration is inconclusive. Since supporting evidence is limited at this time, the clinical significance of this alteration remains unclear.

ARUP Laboratories, Molecular Genetics and Genomics, ARUP Laboratories
Classification: Uncertain significance for Dilated cardiomyopathy 1DD. Last evaluated: 2023-08-16. Review status: criteria provided, single submitter. Criteria: ARUP Molecular Germline Variant Investigation Process 2024. Collection method: clinical testing. Allele origin: germline.
Comment: The RBM20 c.567G>T; p.Gln189His variant (rs377623370), to our knowledge, is not reported in the medical literature but is reported in ClinVar (Variation ID: 519092). This variant is found in the African/African-American population with an allele frequency of 0.0542% (9/16,614 alleles) in the Genome Aggregation Database. Computational analyses are uncertain whether this variant is neutral or deleterious (REVEL: 0.357). Due to limited information, the clinical significance of this variant is uncertain at this time.

Women's Health and Genetics/Laboratory Corporation of America, LabCorp
Classification: Uncertain significance. Last evaluated: 2020-04-13. Review status: criteria provided, single submitter. Criteria: LabCorp Variant Classification Summary - May 2015. Collection method: clinical testing. Allele origin: germline.
Comment: Variant summary: RBM20 c.567G>T (p.Gln189His) results in a non-conservative amino acid change in the encoded protein sequence. Four of five in-silico tools predict a damaging effect of the variant on protein function. The variant allele was found at a frequency of 4.5e-05 in 154926 control chromosomes (gnomAD). The available data on variant occurrences in the general population are insufficient to allow any conclusion about variant significance. To our knowledge, no occurrence of c.567G>T in individuals affected with Cardiomyopathy and no experimental evidence demonstrating its impact on protein function have been reported. One ClinVar submitter (evaluation after 2014) cites the variant as uncertain significance. Based on the evidence outlined above, the variant was classified as uncertain significance.

NM_001134363.3(RBM20):c.567G>T (p.Gln189His)

Gene: RBM20 (RNA binding motif protein 20; plus strand). Cytogenetic location: 10q25.2.
Variant type: single nucleotide variant.
Coding change: c.567G>T on transcript NM_001134363.3 (MANE Select); coding-DNA position 567, G replaced by T.
Protein change: p.Gln189His; replaces glutamine 189 with histidine.
Molecular consequence: missense variant.
Genome position (GRCh38, 1-based): chr10:110,781,176, G>T. VCF-style: chr10-110781176-G-T. GRCh37 (hg19) VCF-style: chr10-112540934-G-T.
Other names: c.567G>T (LRG_382t1); short protein forms Q189H.
Identifiers: ClinVar variation 519092 (VCV000519092.17), dbSNP rs377623370, ClinGen allele CA5688521.